The following is an entry in ClinVar:

NC_000006.12:g.(?_129287827)_(129288078_?)del

Gene: LAMA2 (laminin subunit alpha 2; plus strand). Cytogenetic location: 6q22.33.
Variant type: Deletion.
Identifiers: ClinVar variation 477433 (VCV000477433.1).

ClinVar aggregate classification (germline): Pathogenic (1 of 4 stars; one submission).

Conditions:
LAMA2-related muscular dystrophy (LAMA2-RD). Also called: Laminin alpha 2-related dystrophy. Identifiers: MedGen C5679788, MONDO:0100228.

Submission:

Labcorp Genetics (formerly Invitae), Labcorp
Classification: Pathogenic for LAMA2-related muscular dystrophy. Last evaluated: 2017-08-01. Review status: criteria provided, single submitter. Criteria: Invitae Variant Classification Sherloc (09022015). Collection method: clinical testing. Allele origin: germline.
Comment: This variant is an out-of-frame deletion of the genomic region encompassing exon 19 of the LAMA2 gene. This creates a premature translational stop signal and is expected to result in an absent or disrupted protein product. While this particular variant has not been reported in the literature, loss-of-function variants in LAMA2 are known to be pathogenic (PMID: 18700894). For these reasons, this variant has been classified as Pathogenic.